The following is an entry in ClinVar:

ClinVar aggregate classification (germline): Uncertain significance (1 of 4 stars; one submission).

Conditions:
Cardiovascular phenotype. Identifiers: MedGen CN230736.

Submission:

Ambry Genetics
Classification: Uncertain significance for Cardiovascular phenotype. Last evaluated: 2024-08-07. Review status: criteria provided, single submitter. Criteria: Ambry Variant Classification Scheme 2023. Collection method: clinical testing. Allele origin: germline.
Comment: The p.P184T variant (also known as c.550C>A), located in coding exon 4 of the GPIHBP1 gene, results from a C to A substitution at nucleotide position 550. The proline at codon 184 is replaced by threonine, an amino acid with highly similar properties. This amino acid position is conserved. In addition, this alteration is predicted to be tolerated by in silico analysis. Based on the available evidence, the clinical significance of this variant remains unclear.

NM_178172.6(GPIHBP1):c.550C>A (p.Pro184Thr)

Gene: GPIHBP1 (glycosylphosphatidylinositol anchored high density lipoprotein binding protein 1; plus strand). Cytogenetic location: 8q24.3.
Variant type: single nucleotide variant.
Coding change: c.550C>A on transcript NM_178172.6 (MANE Select); coding-DNA position 550, C replaced by A.
Protein change: p.Pro184Thr; replaces proline 184 with threonine.
Molecular consequence: missense variant. On other transcripts: intron variant (1).
Genome position (GRCh38, 1-based): chr8:143,215,513, C>A. VCF-style: chr8-143215513-C-A. GRCh37 (hg19) VCF-style: chr8-144297388-C-A.
Other names: c.375+175C>A (NM_001301772.2); short protein forms P184T.
Identifiers: ClinVar variation 3521634 (VCV003521634.1).
Genomic context (GRCh38, chr8:143,215,513, plus strand): 5'-GTGGGCGCAGCCCTCCTGCTCAACCTCCTTGCCGGCCTTGGAGCAATGGGGGCCAGGAGA[C>A]CCTGACCCACGGCCCCTCCCCACCCCCACCCGGCTCACCCCCGGCCCTGCCAGCACTCTG-3'
Protein context (NP_835466.2, residues 174-184): AGLGAMGARR[Pro184Thr]